The following is an entry in ClinVar:

NM_022773.4(LMF1):c.1042A>G (p.Arg348Gly)

Gene: LMF1 (lipase maturation factor 1; minus strand). Cytogenetic location: 16p13.3.
Variant type: single nucleotide variant.
Coding change: c.1042A>G on transcript NM_022773.4 (MANE Select); coding-DNA position 1042, A replaced by G.
Protein change: p.Arg348Gly; replaces arginine 348 with glycine.
Molecular consequence: missense variant. On other transcripts: non-coding transcript variant (1).
Genome position (GRCh38, 1-based): chr16:871,197, T>C on the plus strand (A>G on the coding strand, the complement: LMF1 is on the minus strand). VCF-style: chr16-871197-T-C. GRCh37 (hg19) VCF-style: chr16-921197-T-C.
Other names: c.391A>G, p.Arg131Gly (NM_001352017.2, NM_001352021.2); c.643A>G, p.Arg215Gly (NM_001352018.2); c.715A>G, p.Arg239Gly (NM_001352019.2); c.1042A>G, p.Arg348Gly (NM_001352020.1); short protein forms R215G, R131G, R239G, R348G.
Identifiers: ClinVar variation 1774466 (VCV001774466.8), dbSNP rs781286786, ClinGen allele CA7797235.

ClinVar aggregate classification (germline): Uncertain significance. Review status: criteria provided, multiple submitters, no conflicts (2 of 4 stars). 2 submissions from 2 submitters: Uncertain significance (2). Last evaluated 2024-09-03.

Conditions:
Cardiovascular phenotype. Identifiers: MedGen CN230736.

Allele frequency attached by ClinVar (database versions not stated): TOPMed 0.00002; gnomAD 0.00003; gnomAD exomes 0.00003; ExAC 0.00004.
gnomAD v4.1: 45 of 1,609,728 alleles (0.0028%); highest among the groups gnomAD compares: African/African-American, 0.004%; no homozygotes.

Submissions (2):

Ambry Genetics
Classification: Uncertain significance for Cardiovascular phenotype. Last evaluated: 2024-09-03. Review status: criteria provided, single submitter. Criteria: Ambry Variant Classification Scheme 2023. Collection method: clinical testing. Allele origin: germline.

Labcorp Genetics (formerly Invitae), Labcorp
Classification: Uncertain significance. Last evaluated: 2022-07-17. Review status: criteria provided, single submitter. Criteria: Invitae Variant Classification Sherloc (09022015). Collection method: clinical testing. Allele origin: germline.
Comment: This sequence change replaces arginine, which is basic and polar, with glycine, which is neutral and non-polar, at codon 348 of the LMF1 protein (p.Arg348Gly). This variant is present in population databases (rs781286786, gnomAD 0.01%). This variant has not been reported in the literature in individuals affected with LMF1-related conditions. Algorithms developed to predict the effect of missense changes on protein structure and function (SIFT, PolyPhen-2, Align-GVGD) all suggest that this variant is likely to be tolerated. In summary, the available evidence is currently insufficient to determine the role of this variant in disease. Therefore, it has been classified as a Variant of Uncertain Significance.